The following is an entry in ClinVar:

ClinVar aggregate classification (germline): Uncertain significance. Review status: criteria provided, multiple submitters, no conflicts (2 of 4 stars). 2 submissions from 2 submitters: Uncertain significance (2). Last evaluated 2025-03-23.

Conditions:
Glomerulopathy with fibronectin deposits 2 (GFND2). Identifiers: Orphanet 84090, MedGen C1866075, MONDO:0011165, OMIM 601894.
Spondylometaphyseal dysplasia - Sutcliffe type. Also called: Sutcliffe type of spondylometaphyseal dysplasia; Sutcliffe SMD; Spondylometaphyseal dysplasia, 'corner fracture' type; Spondylometaphyseal Dysplasia, Corner Fracture Type. Identifiers: Orphanet 93315, MedGen C0432221, MONDO:0008479, OMIM 184255.

gnomAD v4.1: 56 of 1,613,960 alleles (0.0035%); highest among the groups gnomAD compares: Non-Finnish European, 0.0044%; no homozygotes.

Submissions (2):

Labcorp Genetics (formerly Invitae), Labcorp
Classification: Uncertain significance. Last evaluated: 2025-03-23. Review status: criteria provided, single submitter. Criteria: Invitae Variant Classification Sherloc (09022015). Collection method: clinical testing. Allele origin: germline.
Comment: This sequence change replaces alanine, which is neutral and non-polar, with threonine, which is neutral and polar, at codon 190 of the FN1 protein (p.Ala190Thr). This variant is present in population databases (rs775151128, gnomAD 0.0009%). This variant has not been reported in the literature in individuals affected with FN1-related conditions. ClinVar contains an entry for this variant (Variation ID: 3585554). An algorithm developed to predict the effect of missense changes on protein structure and function outputs the following: PolyPhen-2: "Benign". The threonine amino acid residue is found in multiple mammalian species, which suggests that this missense change does not adversely affect protein function. In summary, the available evidence is currently insufficient to determine the role of this variant in disease. Therefore, it has been classified as a Variant of Uncertain Significance.

Fulgent Genetics
Classification: Uncertain significance for Spondylometaphyseal dysplasia - Sutcliffe type; Glomerulopathy with fibronectin deposits 2. Last evaluated: 2024-04-22. Review status: criteria provided, single submitter. Criteria: ACMG Guidelines, 2015. Collection method: clinical testing. Allele origin: germline.

NM_212482.4(FN1):c.568G>A (p.Ala190Thr)

Gene: FN1 (fibronectin 1; minus strand). Cytogenetic location: 2q35.
Variant type: single nucleotide variant.
Coding change: c.568G>A on transcript NM_212482.4 (MANE Select); coding-DNA position 568, G replaced by A.
Protein change: p.Ala190Thr; replaces alanine 190 with threonine.
Molecular consequence: missense variant.
Genome position (GRCh38, 1-based): chr2:215,430,832, C>T on the plus strand (G>A on the coding strand, the complement: FN1 is on the minus strand). VCF-style: chr2-215430832-C-T. GRCh37 (hg19) VCF-style: chr2-216295555-C-T.
Other names: c.568G>A, p.Ala190Thr (NM_001306129.2, NM_001306130.2, NM_001306131.2 and 14 more transcripts); short protein forms A190T.
Identifiers: ClinVar variation 3585554 (VCV003585554.2).